The following is an entry in ClinVar:

ClinVar aggregate classification (germline): Uncertain significance. Review status: criteria provided, multiple submitters, no conflicts (2 of 4 stars). 2 submissions from 2 submitters: Uncertain significance (2). Last evaluated 2023-07-04.

Conditions:
Jeune thoracic dystrophy. Also called: Short-rib thoracic dysplasia; Jeune syndrome; Infantile thoracic dystrophy; Thoracic pelvic phalangeal dystrophy; Jeune's syndrome; Chondroectodermal dysplasia-like syndrome. Identifiers: Orphanet 474, MedGen C0265275, MONDO:0018770.

Allele frequency attached by ClinVar (database versions not stated): gnomAD exomes below 0.00001.
gnomAD v4.1: 1 of 1,606,812 alleles (0.000062%); highest among the groups gnomAD compares: Admixed American, 0.0017%; no homozygotes.

Submissions (2):

Blueprint Genetics
Classification: Uncertain significance. Last evaluated: 2023-07-04. Review status: criteria provided, single submitter. Criteria: ACMG Guidelines, 2015. Collection method: clinical testing. Allele origin: germline.

Labcorp Genetics (formerly Invitae), Labcorp
Classification: Uncertain significance for Jeune thoracic dystrophy. Last evaluated: 2021-09-21. Review status: criteria provided, single submitter. Criteria: Invitae Variant Classification Sherloc (09022015). Collection method: clinical testing. Allele origin: germline.
Comment: This variant is not present in population databases (ExAC no frequency). This sequence change replaces glycine with valine at codon 1738 of the DYNC2H1 protein (p.Gly1738Val). The glycine residue is highly conserved and there is a moderate physicochemical difference between glycine and valine. This variant has not been reported in the literature in individuals affected with DYNC2H1-related conditions. In summary, the available evidence is currently insufficient to determine the role of this variant in disease. Therefore, it has been classified as a Variant of Uncertain Significance. Algorithms developed to predict the effect of sequence changes on RNA splicing suggest that this variant may create or strengthen a splice site. Advanced modeling of protein sequence and biophysical properties (such as structural, functional, and spatial information, amino acid conservation, physicochemical variation, residue mobility, and thermodynamic stability) performed at Invitae indicates that this missense variant is expected to disrupt DYNC2H1 protein function.

NM_001377.3(DYNC2H1):c.5213G>T (p.Gly1738Val)

Gene: DYNC2H1 (dynein cytoplasmic 2 heavy chain 1; plus strand). Cytogenetic location: 11q22.3.
Variant type: single nucleotide variant.
Coding change: c.5213G>T on transcript NM_001377.3 (MANE Select); coding-DNA position 5213, G replaced by T.
Protein change: p.Gly1738Val; replaces glycine 1738 with valine.
Molecular consequence: missense variant.
Genome position (GRCh38, 1-based): chr11:103,170,947, G>T. VCF-style: chr11-103170947-G-T. GRCh37 (hg19) VCF-style: chr11-103041676-G-T.
Other names: c.5213G>T, p.Gly1738Val (NM_001080463.2); short protein forms G1738V.
Identifiers: ClinVar variation 1475329 (VCV001475329.7), dbSNP rs1209973260, ClinGen allele CA382241704.
Genomic context (GRCh38, chr11:103,170,947, plus strand): 5'-GCATCGATGTGAAGTCAATGGGACGAATATTTGTTGGTTTGGTGAAGTGTGGGGCCTGGG[G>T]TTGTTTTGATGAATTTAATAGGCTGGAAGAATCTGTACTGTCAGCAGTTTCTATGCAAAT-3'
Protein context (NP_001368.2, residues 1728-1748): FVGLVKCGAW[Gly1738Val]CFDEFNRLEE